The following is an entry in ClinVar:

ClinVar aggregate classification (germline): Conflicting classifications of pathogenicity. Review status: criteria provided, conflicting classifications (1 of 4 stars). 6 submissions from 6 submitters: Uncertain significance (5); Likely benign (1). Last evaluated 2026-01-12.

Conditions:
Norman-Roberts syndrome (LIS2). Also called: Lissencephaly 2 (Norman-Roberts type). Identifiers: Orphanet 89844, MedGen C0796089, MONDO:0009760, OMIM 257320.
Epilepsy, familial temporal lobe, 1. Identifiers: Orphanet 101046, MedGen CN030884, MONDO:0700090, OMIM 600512.
Familial temporal lobe epilepsy 7. Identifiers: Orphanet 101046, MedGen C4225327, MONDO:0014639, OMIM 616436.
Inborn genetic diseases. Identifiers: MedGen C0950123, MeSH D030342.

Allele frequency attached by ClinVar (database versions not stated): gnomAD exomes 0.00009; ExAC 0.00010; TOPMed 0.00012; gnomAD 0.00013 and 0.00014; ESP Exome Variant Server 0.00023.
gnomAD v4.1: 354 of 1,613,878 alleles (0.022%); highest among the groups gnomAD compares: Non-Finnish European, 0.029%; no homozygotes.

Submissions (6):

Labcorp Genetics (formerly Invitae), Labcorp
Classification: Likely benign for Familial temporal lobe epilepsy 7; Norman-Roberts syndrome. Last evaluated: 2026-01-12. Review status: criteria provided, single submitter. Criteria: Invitae Variant Classification Sherloc (09022015). Collection method: clinical testing. Allele origin: germline.

Ambry Genetics
Classification: Uncertain significance for Inborn genetic diseases. Last evaluated: 2025-04-25. Review status: criteria provided, single submitter. Criteria: Ambry Variant Classification Scheme 2023. Collection method: clinical testing. Allele origin: germline.
Comment: Unlikely to be causative of RELN-related lateral temporal epilepsy (AD) Based on insufficient or conflicting evidence, the clinical significance of this alteration remains unclear.

Clinical Genetics Laboratory, Skane University Hospital Lund
Classification: Uncertain significance. Last evaluated: 2024-01-19. Review status: criteria provided, single submitter. Criteria: ACMG Guidelines, 2015. Collection method: clinical testing. Allele origin: germline. Affected: yes.

Fulgent Genetics
Classification: Uncertain significance for Norman-Roberts syndrome; Epilepsy, familial temporal lobe, 1; Familial temporal lobe epilepsy 7. Last evaluated: 2021-08-04. Review status: criteria provided, single submitter. Criteria: ACMG Guidelines, 2015. Collection method: clinical testing. Allele origin: unknown.

GeneDx
Classification: Uncertain significance. Last evaluated: 2019-10-10. Review status: criteria provided, single submitter. Criteria: GeneDx Variant Classification Process June 2021. Collection method: clinical testing. Allele origin: germline. Affected: yes.
Comment: In silico analysis, which includes protein predictors and evolutionary conservation, supports that this variant does not alter protein structure/function; Has not been previously published as pathogenic or benign to our knowledge

Illumina Laboratory Services, Illumina
Classification: Uncertain significance for Norman-Roberts syndrome. Last evaluated: 2018-01-13. Review status: criteria provided, single submitter. Criteria: ICSL Variant Classification Criteria 13 December 2019. Collection method: clinical testing. Allele origin: germline.

NM_005045.4(RELN):c.8795C>A (p.Ser2932Tyr)

Genes: RELN (reelin; minus strand), SLC26A5-AS1 (SLC26A5 antisense RNA 1; plus strand). Cytogenetic location: 7q22.1.
Variant type: single nucleotide variant.
Coding change: c.8795C>A on transcript NM_005045.4 (MANE Select); coding-DNA position 8795, C replaced by A.
Protein change: p.Ser2932Tyr; replaces serine 2932 with tyrosine.
Molecular consequence: missense variant.
Genome position (GRCh38, 1-based): chr7:103,498,125, G>T on the plus strand (C>A on the coding strand, the complement: RELN is on the minus strand). VCF-style: chr7-103498125-G-T. GRCh37 (hg19) VCF-style: chr7-103138572-G-T.
Other names: c.8795C>A, p.Ser2932Tyr (NM_173054.3); short protein forms S2932Y.
Identifiers: ClinVar variation 862295 (VCV000862295.19), dbSNP rs139225791, ClinGen allele CA4420384.